The following is an entry in ClinVar:

NM_000540.3(RYR1):c.100C>G (p.Leu34Val)

Gene: RYR1 (ryanodine receptor 1; plus strand). Cytogenetic location: 19q13.2.
Variant type: single nucleotide variant.
Coding change: c.100C>G on transcript NM_000540.3 (MANE Select); coding-DNA position 100, C replaced by G.
Protein change: p.Leu34Val; replaces leucine 34 with valine.
Molecular consequence: missense variant.
Genome position (GRCh38, 1-based): chr19:38,440,799, C>G. VCF-style: chr19-38440799-C-G. GRCh37 (hg19) VCF-style: chr19-38931439-C-G.
Other names: c.100C>G, p.Leu34Val (NM_001042723.2); short protein forms L34V.
Identifiers: ClinVar variation 1045477 (VCV001045477.27), dbSNP rs1481959610, ClinGen allele CA405671773.

ClinVar aggregate classification (germline): Uncertain significance. Review status: criteria provided, multiple submitters, no conflicts (2 of 4 stars). 2 submissions from 2 submitters: Uncertain significance (2). Last evaluated 2025-11-18.

Conditions:
RYR1-related disorder. Also called: RYR1-related disorders; RYR1-related condition. Identifiers: MedGen CN239331.

Allele frequency attached by ClinVar (database versions not stated): gnomAD exomes below 0.00001; TOPMed below 0.00001.
gnomAD v4.1: 2 of 1,609,210 alleles (0.00012%); highest among the groups gnomAD compares: Middle Eastern, 0.018%; no homozygotes.

Submissions (2):

Labcorp Genetics (formerly Invitae), Labcorp
Classification: Uncertain significance for RYR1-related disorder. Last evaluated: 2025-11-18. Review status: criteria provided, single submitter. Criteria: Invitae Variant Classification Sherloc (09022015). Collection method: clinical testing. Allele origin: germline.
Comment: This sequence change replaces leucine, which is neutral and non-polar, with valine, which is neutral and non-polar, at codon 34 of the RYR1 protein (p.Leu34Val). This variant is present in population databases (no rsID available, gnomAD 0.001%). This variant has not been reported in the literature in individuals affected with RYR1-related conditions. ClinVar contains an entry for this variant (Variation ID: 1045477). Invitae Evidence Modeling of protein sequence and biophysical properties (such as structural, functional, and spatial information, amino acid conservation, physicochemical variation, residue mobility, and thermodynamic stability) has been performed for this missense variant. However, the output from this modeling did not meet the statistical confidence thresholds required to predict the impact of this variant on RYR1 protein function. In summary, the available evidence is currently insufficient to determine the role of this variant in disease. Therefore, it has been classified as a Variant of Uncertain Significance.

CeGaT Center for Human Genetics Tuebingen
Classification: Uncertain significance. Last evaluated: 2024-03-01. Review status: criteria provided, single submitter. Criteria: CeGaT Center For Human Genetics Tuebingen Variant Classification Criteria Version 2. Collection method: clinical testing. Allele origin: germline. Affected: yes. Observed: 1 variant allele.
Comment: RYR1: PM2